The following is an entry in ClinVar:

ClinVar aggregate classification (germline): Benign/Likely benign. Review status: criteria provided, multiple submitters, no conflicts (2 of 4 stars). 4 submissions from 4 submitters: Benign (3); Likely benign (1). Last evaluated 2025-11-18.

Allele frequency attached by ClinVar (database versions not stated): ESP Exome Variant Server 0.00062; gnomAD exomes 0.00063 and 0.00112; TOPMed 0.00065; 1000 Genomes Project 30x 0.00078; 1000 Genomes Project 0.00100; gnomAD 0.00111 and 0.00115; ExAC 0.00112.
gnomAD v4.1: 1,097 of 1,614,118 alleles (0.068%); highest among the groups gnomAD compares: African/African-American, 0.059%; 6 homozygotes.

Submissions (4):

Labcorp Genetics (formerly Invitae), Labcorp
Classification: Benign. Last evaluated: 2025-11-18. Review status: criteria provided, single submitter. Criteria: Invitae Variant Classification Sherloc (09022015). Collection method: clinical testing. Allele origin: germline.

CeGaT Center for Human Genetics Tuebingen
Classification: Benign. Last evaluated: 2025-11-01. Review status: criteria provided, single submitter. Criteria: CeGaT Center For Human Genetics Tuebingen Variant Classification Criteria Version 2. Collection method: clinical testing. Allele origin: germline. Affected: yes. Observed: 5 variant alleles.
Comment: CCND2: BP4, BS1, BS2

GeneDx
Classification: Benign. Last evaluated: 2021-07-23. Review status: criteria provided, single submitter. Criteria: GeneDx Variant Classification Process June 2021. Collection method: clinical testing. Allele origin: germline. Affected: yes.
Comment: This variant is associated with the following publications: (PMID: 29642553)

Center for Pediatric Genomic Medicine, Children's Mercy Hospital and Clinics
Classification: Likely benign. Last evaluated: 2016-12-30. Review status: criteria provided, single submitter. Criteria: ACMG Guidelines, 2015. Collection method: clinical testing. Allele origin: germline.
ClinVar note: Converted during submission from Likely Benign to Likely benign.

NM_001759.4(CCND2):c.785G>A (p.Arg262His)

Gene: CCND2 (cyclin D2; plus strand). Cytogenetic location: 12p13.32.
Variant type: single nucleotide variant.
Coding change: c.785G>A on transcript NM_001759.4 (MANE Select); coding-DNA position 785, G replaced by A.
Protein change: p.Arg262His; replaces arginine 262 with histidine.
Molecular consequence: missense variant.
Genome position (GRCh38, 1-based): chr12:4,299,924, G>A. VCF-style: chr12-4299924-G-A. GRCh37 (hg19) VCF-style: chr12-4409090-G-A.
Other names: short protein forms R262H.
Identifiers: ClinVar variation 376994 (VCV000376994.38), dbSNP rs142170178, ClinGen allele CA6395326.